The following is an entry in ClinVar:

ClinVar aggregate classification (germline): Uncertain significance (1 of 4 stars; one submission).

Conditions:
2-aminoadipic 2-oxoadipic aciduria (AAKAD). Also called: Aminoadipic aciduria; ALPHA-AMINOADIPIC AND ALPHA-KETOADIPIC ACIDURIA. Identifiers: Orphanet 79154, MedGen C1859817, MONDO:0008774, OMIM 204750.

Allele frequency attached by ClinVar (database versions not stated): gnomAD exomes below 0.00001; gnomAD 0.00001.
gnomAD v4.1: 5 of 1,614,012 alleles (0.00031%); highest among the groups gnomAD compares: Middle Eastern, 0.016%; no homozygotes.

Submission:

Labcorp Genetics (formerly Invitae), Labcorp
Classification: Uncertain significance for 2-aminoadipic 2-oxoadipic aciduria. Last evaluated: 2024-05-02. Review status: criteria provided, single submitter. Criteria: Invitae Variant Classification Sherloc (09022015). Collection method: clinical testing. Allele origin: germline.
Comment: This sequence change replaces glycine, which is neutral and non-polar, with serine, which is neutral and polar, at codon 55 of the DHTKD1 protein (p.Gly55Ser). This variant is not present in population databases (gnomAD no frequency). This variant has not been reported in the literature in individuals affected with DHTKD1-related conditions. Advanced modeling of protein sequence and biophysical properties (such as structural, functional, and spatial information, amino acid conservation, physicochemical variation, residue mobility, and thermodynamic stability) performed at Invitae indicates that this missense variant is not expected to disrupt DHTKD1 protein function with a negative predictive value of 80%. In summary, the available evidence is currently insufficient to determine the role of this variant in disease. Therefore, it has been classified as a Variant of Uncertain Significance.

NM_018706.7(DHTKD1):c.163G>A (p.Gly55Ser)

Gene: DHTKD1 (dehydrogenase E1 and transketolase domain containing 1; plus strand). Cytogenetic location: 10p14.
Variant type: single nucleotide variant.
Coding change: c.163G>A on transcript NM_018706.7 (MANE Select); coding-DNA position 163, G replaced by A.
Protein change: p.Gly55Ser; replaces glycine 55 with serine.
Molecular consequence: missense variant.
Genome position (GRCh38, 1-based): chr10:12,081,480, G>A. VCF-style: chr10-12081480-G-A. GRCh37 (hg19) VCF-style: chr10-12123479-G-A.
Other names: short protein forms G55S.
Identifiers: ClinVar variation 2780953 (VCV002780953.3), dbSNP rs1832817599, ClinGen allele CA376014263.
Genomic context (GRCh38, chr10:12,081,480, plus strand): 5'-TTTGTAGTCATCTCCTAAACTGTTTGCATTTTTAAATTTTCCCCTGATTTAGTTGATCAT[G>A]GCCTTGCCAGGTTGGTGACAGTATATTGTGAGCATGGTCATAAAGCTGCCAAAATCAACC-3'
Protein context (NP_061176.4, residues 45-65): GALERPPVDH[Gly55Ser]LARLVTVYCE